The following is an entry in ClinVar:

ClinVar aggregate classification (germline): Pathogenic (1 of 4 stars; one submission).

Conditions:
CLCN4-related disorder. Identifiers: MedGen CN232948.

Submission:

Sydney Children's Hospital, SCHN
Classification: Pathogenic for CLCN4-related disorder. Last evaluated: 2016-03-22. Review status: criteria provided, single submitter. Criteria: Submitter's publication. Collection method: clinical testing. Allele origin: maternal. Inheritance: X-linked inheritance. Affected: yes. Observed: 5 variant alleles, 3 heterozygotes, 3 hemizygotes. Clinical features observed: intellectual disability.
Comment: Segregates with intellectual disability in family. Clinical phenotype consistent with case series of individuals with CLCN4 related disorder.

NM_001830.4(CLCN4):c.1876dup (p.Ile626fs)

Gene: CLCN4 (chloride voltage-gated channel 4; plus strand). Cytogenetic location: Xp22.2.
Variant type: Duplication.
Coding change: c.1876dup on transcript NM_001830.4 (MANE Select); coding-DNA position 1876, one base duplicated (A; older notation c.1876dupA).
Protein change: p.Ile626fs; shifts the reading frame from isoleucine 626.
Molecular consequence: frameshift variant.
Genome position (GRCh38, 1-based): chrX:10,213,980, A duplicated. VCF-style (leftmost placement, unchanged base first): chrX-10213979-C-CA. GRCh37 (hg19) VCF-style: chrX-10182019-C-CA.
Other names: chrX:10182019-10182020insA; c.1594dup, p.Ile532fs (NM_001256944.2); short protein forms I626fs, I532fs.
Identifiers: ClinVar variation 209118 (VCV000209118.2), dbSNP rs879255586, ClinGen allele CA10575782.